The following is an entry in ClinVar:

ClinVar aggregate classification (germline): Uncertain significance (1 of 4 stars; one submission).

gnomAD v4.1: 1 of 1,614,088 alleles (0.000062%); highest among the groups gnomAD compares: Non-Finnish European, 0.000085%; no homozygotes.

Submission:

Labcorp Genetics (formerly Invitae), Labcorp
Classification: Uncertain significance. Last evaluated: 2023-09-20. Review status: criteria provided, single submitter. Criteria: Invitae Variant Classification Sherloc (09022015). Collection method: clinical testing. Allele origin: germline.
Comment: In summary, the available evidence is currently insufficient to determine the role of this variant in disease. Therefore, it has been classified as a Variant of Uncertain Significance. Advanced modeling of protein sequence and biophysical properties (such as structural, functional, and spatial information, amino acid conservation, physicochemical variation, residue mobility, and thermodynamic stability) performed at Invitae indicates that this missense variant is expected to disrupt SLC4A1 protein function. This variant has not been reported in the literature in individuals affected with SLC4A1-related conditions. This variant is present in population databases (no rsID available, gnomAD 0.0009%). This sequence change replaces isoleucine, which is neutral and non-polar, with asparagine, which is neutral and polar, at codon 661 of the SLC4A1 protein (p.Ile661Asn).

NM_000342.4(SLC4A1):c.1982T>A (p.Ile661Asn)

Gene: SLC4A1 (solute carrier family 4 member 1 (Diego blood group); minus strand). Cytogenetic location: 17q21.31.
Variant type: single nucleotide variant.
Coding change: c.1982T>A on transcript NM_000342.4 (MANE Select); coding-DNA position 1982, T replaced by A.
Protein change: p.Ile661Asn; replaces isoleucine 661 with asparagine.
Molecular consequence: missense variant.
Genome position (GRCh38, 1-based): chr17:44,254,571, A>T on the plus strand (T>A on the coding strand, the complement: SLC4A1 is on the minus strand). VCF-style: chr17-44254571-A-T. GRCh37 (hg19) VCF-style: chr17-42331939-A-T.
Other names: short protein forms I661N.
Identifiers: ClinVar variation 2815892 (VCV002815892.3), dbSNP rs757109598, ClinGen allele CA399782837.